The following is an entry in ClinVar:

NM_138576.4(BCL11B):c.766A>G (p.Ser256Gly)

Gene: BCL11B (BCL11 transcription factor B; minus strand). Cytogenetic location: 14q32.2.
Variant type: single nucleotide variant.
Coding change: c.766A>G on transcript NM_138576.4 (MANE Select); coding-DNA position 766, A replaced by G.
Protein change: p.Ser256Gly; replaces serine 256 with glycine.
Molecular consequence: missense variant.
Genome position (GRCh38, 1-based): chr14:99,176,070, T>C on the plus strand (A>G on the coding strand, the complement: BCL11B is on the minus strand). VCF-style: chr14-99176070-T-C. GRCh37 (hg19) VCF-style: chr14-99642407-T-C.
Other names: c.763A>G, p.Ser255Gly (NM_001282237.2); c.550A>G, p.Ser184Gly (NM_001282238.2); c.553A>G, p.Ser185Gly (NM_022898.3); short protein forms S184G, S185G, S255G, S256G.
Identifiers: ClinVar variation 3675391 (VCV003675391.2).
Genomic context (GRCh38, chr14:99,176,070, plus strand): 5'-GCGCCACGGCCTCCGGCCCGAGCGGCGGCGGGATGGTGAGCCGCGGCGTGAGCGAGCTGC[T>C]GGCCGGCCCGGGCTCCAGGTAGATGCGGAAGCCGTGCGTGTTCTGCGCGTGCTGCAGCAG-3'
Protein context (NP_612808.1, residues 246-266): FRIYLEPGPA[Ser256Gly]SSLTPRLTIP

ClinVar aggregate classification (germline): Uncertain significance (1 of 4 stars; one submission).

gnomAD v4.1: 1 of 1,604,886 alleles (0.000062%); highest among the groups gnomAD compares: Non-Finnish European, 0.000085%; no homozygotes.

Submission:

Labcorp Genetics (formerly Invitae), Labcorp
Classification: Uncertain significance. Last evaluated: 2024-03-29. Review status: criteria provided, single submitter. Criteria: Invitae Variant Classification Sherloc (09022015). Collection method: clinical testing. Allele origin: germline.
Comment: This sequence change replaces serine, which is neutral and polar, with glycine, which is neutral and non-polar, at codon 256 of the BCL11B protein (p.Ser256Gly). This variant is present in population databases (no rsID available, gnomAD 0.001%). This variant has not been reported in the literature in individuals affected with BCL11B-related conditions. An algorithm developed to predict the effect of missense changes on protein structure and function (PolyPhen-2) suggests that this variant is likely to be tolerated. In summary, the available evidence is currently insufficient to determine the role of this variant in disease. Therefore, it has been classified as a Variant of Uncertain Significance.